The following is an entry in ClinVar:

NM_024548.4(CEP97):c.493C>T (p.Pro165Ser)

Gene: CEP97 (centrosomal protein 97; plus strand). Cytogenetic location: 3q12.3.
Variant type: single nucleotide variant.
Coding change: c.493C>T on transcript NM_024548.4 (MANE Select); coding-DNA position 493, C replaced by T.
Protein change: p.Pro165Ser; replaces proline 165 with serine.
Molecular consequence: missense variant.
Genome position (GRCh38, 1-based): chr3:101,731,885, C>T. VCF-style: chr3-101731885-C-T. GRCh37 (hg19) VCF-style: chr3-101450729-C-T.
Other names: c.493C>T, p.Pro165Ser (NM_001303401.2); c.391C>T, p.Pro131Ser (NM_001410784.1, NM_001410785.1); short protein forms P131S, P165S.
Identifiers: ClinVar variation 3622959 (VCV003622959.2).

ClinVar aggregate classification (germline): Uncertain significance (1 of 4 stars; one submission).

gnomAD v4.1: 1 of 1,611,896 alleles (0.000062%); highest among the groups gnomAD compares: Admixed American, 0.0017%; no homozygotes.

Submission:

Labcorp Genetics (formerly Invitae), Labcorp
Classification: Uncertain significance. Last evaluated: 2025-10-06. Review status: criteria provided, single submitter. Criteria: Invitae Variant Classification Sherloc (09022015). Collection method: clinical testing. Allele origin: germline.
Comment: This sequence change replaces proline, which is neutral and non-polar, with serine, which is neutral and polar, at codon 165 of the CEP97 protein (p.Pro165Ser). This variant is not present in population databases (gnomAD no frequency). This variant has not been reported in the literature in individuals affected with CEP97-related conditions. ClinVar contains an entry for this variant (Variation ID: 3622959). Invitae Evidence Modeling of protein sequence and biophysical properties (such as structural, functional, and spatial information, amino acid conservation, physicochemical variation, residue mobility, and thermodynamic stability) indicates that this missense variant is not expected to disrupt CEP97 protein function with a negative predictive value of 80%. In summary, the available evidence is currently insufficient to determine the role of this variant in disease. Therefore, it has been classified as a Variant of Uncertain Significance.